The following is an entry in ClinVar:

NM_001003694.2(BRPF1):c.2504C>T (p.Thr835Met)

Gene: BRPF1 (bromodomain and PHD finger containing 1; plus strand). Cytogenetic location: 3p25.3.
Variant type: single nucleotide variant.
Coding change: c.2504C>T on transcript NM_001003694.2 (MANE Select); coding-DNA position 2504, C replaced by T.
Protein change: p.Thr835Met; replaces threonine 835 with methionine.
Molecular consequence: missense variant. On other transcripts: non-coding transcript variant (1).
Genome position (GRCh38, 1-based): chr3:9,743,770, C>T. VCF-style: chr3-9743770-C-T. GRCh37 (hg19) VCF-style: chr3-9785454-C-T.
Other names: c.2486C>T, p.Thr829Met (NM_001319049.2, NM_004634.3); c.2483C>T, p.Thr828Met (NM_001319050.2); c.2501C>T, p.Thr834Met (NM_001410704.1); short protein forms T828M, T829M, T834M, T835M.
Identifiers: ClinVar variation 2653492 (VCV002653492.24), dbSNP rs139779477, ClinGen allele CA2242136.

ClinVar aggregate classification (germline): Likely benign (1 of 4 stars; one submission).

Allele frequency attached by ClinVar (database versions not stated): gnomAD 0.00011; gnomAD exomes 0.00012; TOPMed 0.00012; ESP Exome Variant Server 0.00015; ExAC 0.00017.
gnomAD v4.1: 203 of 1,614,030 alleles (0.013%); highest among the groups gnomAD compares: Non-Finnish European, 0.015%; no homozygotes.

Submission:

CeGaT Center for Human Genetics Tuebingen
Classification: Likely benign. Last evaluated: 2023-09-01. Review status: criteria provided, single submitter. Criteria: CeGaT Center For Human Genetics Tuebingen Variant Classification Criteria Version 2. Collection method: clinical testing. Allele origin: germline. Affected: yes. Observed: 3 variant alleles.
Comment: BRPF1: BP4, BS1